The following is an entry in ClinVar:

ClinVar aggregate classification (germline): Pathogenic (1 of 4 stars; one submission).

Submission:

Labcorp Genetics (formerly Invitae), Labcorp
Classification: Pathogenic. Last evaluated: 2025-12-20. Review status: criteria provided, single submitter. Criteria: Invitae Variant Classification Sherloc (09022015). Collection method: clinical testing. Allele origin: germline.
Comment: This sequence change affects the initiator codon of the ADAMTS13 mRNA. This change may impact translation initiation or efficiency. The next in-frame methionine is located at codon 131. This variant is not present in population databases (gnomAD no frequency). This variant has not been reported in the literature in individuals affected with ADAMTS13-related conditions. Experimental studies and prediction algorithms are not available or were not evaluated, and the functional significance of this variant is currently unknown. This variant disrupts a region of the ADAMTS13 protein in which other variant(s) (p.Arg102Cys) have been determined to be pathogenic (PMID: 11586351, 36987722; internal data). This suggests that this is a clinically significant region of the protein, and that variants that disrupt it are likely to be disease-causing. For these reasons, this variant has been classified as Pathogenic.

Literature cited by the submitters: PubMed 11586351; PubMed 36987722.

NM_139027.6(ADAMTS13):c.3G>A (p.Met1Ile)

Gene: ADAMTS13 (ADAM metallopeptidase with thrombospondin type 1 motif 13; plus strand). Cytogenetic location: 9q34.2.
Variant type: single nucleotide variant.
Coding change: c.3G>A on transcript NM_139027.6 (MANE Select); coding-DNA position 3, G replaced by A.
Protein change: p.Met1Ile; changes the start codon (methionine 1).
Molecular consequence: missense variant, initiator codon variant.
Genome position (GRCh38, 1-based): chr9:133,422,446, G>A. VCF-style: chr9-133422446-G-A. GRCh37 (hg19) VCF-style: chr9-136287566-G-A.
Other names: c.3G>A, p.Met1Ile (NM_139025.5, NM_139026.6); short protein forms M1I.
Identifiers: ClinVar variation 4799136 (VCV004799136.1).
Genomic context (GRCh38, chr9:133,422,446, plus strand): 5'-CCCAGTCACCAAGGCCCCCTCTCACTCCGCTCCACTCCTCGGGCTGGCTCTCCTGAGGAT[G>A]CACCAGCGTCACCCCCGGGCAAGATGCCCTCCCCTCTGTGTGGCCGGAATCCTTGCCTGT-3'
Protein context (NP_620596.2, residues 1-11): [Met1Ile]HQRHPRARCP